The following is an entry in ClinVar:

ClinVar aggregate classification (germline): Uncertain significance (1 of 4 stars; one submission).

Conditions:
Immunodeficiency, common variable, 7. Identifiers: Orphanet 1572, Orphanet 696894, MedGen C3542922, MONDO:0013862, OMIM 614699.

gnomAD v4.1: 19 of 1,612,858 alleles (0.0012%); highest among the groups gnomAD compares: Non-Finnish European, 0.0014%; no homozygotes.

Submission:

Labcorp Genetics (formerly Invitae), Labcorp
Classification: Uncertain significance for Immunodeficiency, common variable, 7. Last evaluated: 2022-07-21. Review status: criteria provided, single submitter. Criteria: Invitae Variant Classification Sherloc (09022015). Collection method: clinical testing. Allele origin: germline.
Comment: Algorithms developed to predict the effect of sequence changes on RNA splicing suggest that this variant may create or strengthen a splice site. This variant has not been reported in the literature in individuals affected with CR2-related conditions. This variant is not present in population databases (gnomAD no frequency). This sequence change falls in intron 6 of the CR2 gene. It does not directly change the encoded amino acid sequence of the CR2 protein. In summary, the available evidence is currently insufficient to determine the role of this variant in disease. Therefore, it has been classified as a Variant of Uncertain Significance.

NM_001006658.3(CR2):c.1225+11C>A

Genes: CR2 (complement C3d receptor 2; plus strand), LOC126805994 (BRD4-independent group 4 enhancer GRCh37_chr1:207642622-207643821; plus strand). Cytogenetic location: 1q32.2.
Variant type: single nucleotide variant.
Coding change: c.1225+11C>A on transcript NM_001006658.3 (MANE Select); 11 bases into the intron after coding-DNA position 1225, C replaced by A.
Molecular consequence: intron variant.
Genome position (GRCh38, 1-based): chr1:207,470,113, C>A. VCF-style: chr1-207470113-C-A. GRCh37 (hg19) VCF-style: chr1-207643458-C-A.
Other names: c.1225+11C>A (NM_001877.5).
Identifiers: ClinVar variation 2201113 (VCV002201113.4), dbSNP rs199538918, ClinGen allele CA730655094.